The following is an entry in ClinVar:

ClinVar aggregate classification (germline): Uncertain significance (1 of 4 stars; one submission).

Allele frequency attached by ClinVar (database versions not stated): TOPMed 0.00002.

Submission:

Labcorp Genetics (formerly Invitae), Labcorp
Classification: Uncertain significance. Last evaluated: 2022-07-19. Review status: criteria provided, single submitter. Criteria: Invitae Variant Classification Sherloc (09022015). Collection method: clinical testing. Allele origin: germline.
Comment: This sequence change falls in intron 6 of the PHYH gene. It does not directly change the encoded amino acid sequence of the PHYH protein. It affects a nucleotide within the consensus splice site. This variant is present in population databases (no rsID available, gnomAD 0.007%). This variant has not been reported in the literature in individuals affected with PHYH-related conditions. ClinVar contains an entry for this variant (Variation ID: 1001107). Variants that disrupt the consensus splice site are a relatively common cause of aberrant splicing (PMID: 17576681, 9536098). Algorithms developed to predict the effect of sequence changes on RNA splicing suggest that this variant may disrupt the consensus splice site. In summary, the available evidence is currently insufficient to determine the role of this variant in disease. Therefore, it has been classified as a Variant of Uncertain Significance.

Literature cited by the submitters: PubMed 17576681; PubMed 9536098.

NM_006214.4(PHYH):c.679-3T>G

Gene: PHYH (phytanoyl-CoA 2-hydroxylase; minus strand). Cytogenetic location: 10p13.
Variant type: single nucleotide variant.
Coding change: c.679-3T>G on transcript NM_006214.4 (MANE Select); 3 bases into the intron before coding-DNA position 679, T replaced by G.
Molecular consequence: intron variant.
Genome position (GRCh38, 1-based): chr10:13,283,842, A>C on the plus strand (T>G on the coding strand, the complement: PHYH is on the minus strand). VCF-style: chr10-13283842-A-C. GRCh37 (hg19) VCF-style: chr10-13325842-A-C.
Other names: c.415-3T>G (NM_001323083.2); c.685-3T>G (NM_001323082.2); c.379-3T>G (NM_001037537.2, NM_001323080.2); c.385-3T>G (NM_001323084.2).
Identifiers: ClinVar variation 1001107 (VCV001001107.4), dbSNP rs776599418, ClinGen allele CA592075236.